The following is an entry in ClinVar:

NM_181078.3(IL21R):c.784A>T (p.Arg262Trp)

Gene: IL21R (interleukin 21 receptor; plus strand). Cytogenetic location: 16p12.1.
Variant type: single nucleotide variant.
Coding change: c.784A>T on transcript NM_181078.3 (MANE Select); coding-DNA position 784, A replaced by T.
Protein change: p.Arg262Trp; replaces arginine 262 with tryptophan.
Molecular consequence: missense variant.
Genome position (GRCh38, 1-based): chr16:27,445,275, A>T. VCF-style: chr16-27445275-A-T. GRCh37 (hg19) VCF-style: chr16-27456596-A-T.
Other names: c.784A>T, p.Arg262Trp (NM_021798.4); c.850A>T, p.Arg284Trp (NM_181079.5); short protein forms R262W, R284W.
Identifiers: ClinVar variation 3723448 (VCV003723448.2).

ClinVar aggregate classification (germline): Uncertain significance (1 of 4 stars; one submission).

Conditions:
Cryptosporidiosis-chronic cholangitis-liver disease syndrome. Also called: IL21R immunodeficiency; Immunodeficiency type 56. Identifiers: Orphanet 357329, MedGen C3554687, MONDO:0014082, OMIM 615207.

Submission:

Labcorp Genetics (formerly Invitae), Labcorp
Classification: Uncertain significance for Cryptosporidiosis-chronic cholangitis-liver disease syndrome. Last evaluated: 2024-10-27. Review status: criteria provided, single submitter. Criteria: Invitae Variant Classification Sherloc (09022015). Collection method: clinical testing. Allele origin: germline.
Comment: This sequence change replaces arginine, which is basic and polar, with tryptophan, which is neutral and slightly polar, at codon 262 of the IL21R protein (p.Arg262Trp). This variant is not present in population databases (gnomAD no frequency). This variant has not been reported in the literature in individuals affected with IL21R-related conditions. An algorithm developed to predict the effect of missense changes on protein structure and function (PolyPhen-2) suggests that this variant is likely to be disruptive. In summary, the available evidence is currently insufficient to determine the role of this variant in disease. Therefore, it has been classified as a Variant of Uncertain Significance.